The following is an entry in ClinVar:

ClinVar aggregate classification (germline): Uncertain significance. Review status: criteria provided, multiple submitters, no conflicts (2 of 4 stars). 2 submissions from 2 submitters: Uncertain significance (2). Last evaluated 2023-07-13.

Conditions:
Costello syndrome (CSTLO). Also called: FCS SYNDROME; HRAS-Related Costello Syndrome; FACIOCUTANEOSKELETAL SYNDROME. Identifiers: Orphanet 3071, MedGen C0587248, MONDO:0009026, OMIM 218040.

gnomAD v4.1: 1 of 1,613,420 alleles (0.000062%); highest among the groups gnomAD compares: Middle Eastern, 0.016%; no homozygotes.

Submissions (2):

Labcorp Genetics (formerly Invitae), Labcorp
Classification: Uncertain significance for Costello syndrome. Last evaluated: 2023-07-13. Review status: criteria provided, single submitter. Criteria: Invitae Variant Classification Sherloc (09022015). Collection method: clinical testing. Allele origin: germline.
Comment: This sequence change replaces isoleucine, which is neutral and non-polar, with leucine, which is neutral and non-polar, at codon 142 of the HRAS protein (p.Ile142Leu). This variant is not present in population databases (gnomAD no frequency). This variant has not been reported in the literature in individuals affected with HRAS-related conditions. ClinVar contains an entry for this variant (Variation ID: 574796). Advanced modeling performed at Invitae incorporating data from internal and/or published experimental studies (Invitae) indicates that this missense variant is not expected to disrupt HRAS function. In summary, the available evidence is currently insufficient to determine the role of this variant in disease. Therefore, it has been classified as a Variant of Uncertain Significance.

Revvity Omics, Revvity
Classification: Uncertain significance for Costello syndrome. Last evaluated: 2023-01-17. Review status: criteria provided, single submitter. Criteria: ACMG Guidelines, 2015. Collection method: clinical testing. Allele origin: germline.

NM_005343.4(HRAS):c.424A>C (p.Ile142Leu)

Genes: HRAS (HRas proto-oncogene, GTPase; minus strand), LRRC56 (leucine rich repeat containing 56; plus strand). Cytogenetic location: 11p15.5.
Variant type: single nucleotide variant.
Coding change: c.424A>C on transcript NM_005343.4 (MANE Select); coding-DNA position 424, A replaced by C.
Protein change: p.Ile142Leu; replaces isoleucine 142 with leucine.
Molecular consequence: missense variant. On other transcripts: synonymous variant (1).
Genome position (GRCh38, 1-based): chr11:533,479, T>G on the plus strand (A>C on the coding strand, the complement: HRAS is on the minus strand). VCF-style: chr11-533479-T-G. GRCh37 (hg19) VCF-style: chr11-533479-T-G.
Other names: c.424A>C, p.Ile142Leu (NM_001130442.3, NM_176795.5); c.105A>C, p.Thr35= (NM_001318054.2); short protein forms I142L.
Identifiers: ClinVar variation 574796 (VCV000574796.13), dbSNP rs1564788848, ClinGen allele CA378922875.